The following is an entry in ClinVar:

ClinVar aggregate classification (germline): Uncertain significance (1 of 4 stars; one submission).

Conditions:
Infantile-onset ascending hereditary spastic paralysis (IAHSP). Also called: Infantile-Onset Ascending Hereditary Spastic Paralysis (IAHSP); Autosomal Recessive Juvenile Amyotrophic Lateral Sclerosis. Identifiers: Orphanet 293168, MedGen C2931441, MONDO:0011797, OMIM 607225. Disease mechanism: loss of function.

Submission:

Labcorp Genetics (formerly Invitae), Labcorp
Classification: Uncertain significance for Infantile-onset ascending hereditary spastic paralysis. Last evaluated: 2024-01-08. Review status: criteria provided, single submitter. Criteria: Invitae Variant Classification Sherloc (09022015). Collection method: clinical testing. Allele origin: germline.
Comment: This sequence change affects codon 1427 of the ALS2 mRNA. It is a 'silent' change, meaning that it does not change the encoded amino acid sequence of the ALS2 protein. It affects a nucleotide within the consensus splice site. This variant is not present in population databases (gnomAD no frequency). This variant has not been reported in the literature in individuals affected with ALS2-related conditions. ClinVar contains an entry for this variant (Variation ID: 1969739). Algorithms developed to predict the effect of sequence changes on RNA splicing suggest that this variant is not likely to affect RNA splicing. In summary, the available evidence is currently insufficient to determine the role of this variant in disease. Therefore, it has been classified as a Variant of Uncertain Significance.

NM_020919.4(ALS2):c.4281G>A (p.Arg1427=)

Gene: ALS2 (alsin Rho guanine nucleotide exchange factor ALS2; minus strand). Cytogenetic location: 2q33.1.
Variant type: single nucleotide variant.
Coding change: c.4281G>A on transcript NM_020919.4 (MANE Select); coding-DNA position 4281, G replaced by A.
Protein change: p.Arg1427=; no amino-acid change (arginine 1427 retained).
Molecular consequence: synonymous variant.
Genome position (GRCh38, 1-based): chr2:201,707,991, C>T on the plus strand (G>A on the coding strand, the complement: ALS2 is on the minus strand). VCF-style: chr2-201707991-C-T. GRCh37 (hg19) VCF-style: chr2-202572714-C-T.
Other names: c.4278G>A, p.Arg1426= (NM_001410975.1).
Identifiers: ClinVar variation 1969739 (VCV001969739.5), dbSNP rs746790680, ClinGen allele CA430669009.